The following is an entry in ClinVar:

ClinVar aggregate classification (germline): Conflicting classifications of pathogenicity. Review status: criteria provided, conflicting classifications (1 of 4 stars). 5 submissions from 5 submitters: Uncertain significance (1); Likely benign (2). 2 of the submissions do not count toward it. Last evaluated 2026-01-19.

Conditions:
JAK1-related disorder. Also called: JAK1-related condition.

Allele frequency attached by ClinVar (database versions not stated): gnomAD exomes 0.00028 and 0.00040; ESP Exome Variant Server 0.00033; ExAC 0.00035; gnomAD 0.00040 and 0.00041; TOPMed 0.00060; 1000 Genomes Project 30x 0.00078; 1000 Genomes Project 0.00100.
gnomAD v4.1: 492 of 1,614,126 alleles (0.03%); highest among the groups gnomAD compares: Middle Eastern, 0.35%; 1 homozygote.

Submissions (5):

Labcorp Genetics (formerly Invitae), Labcorp
Classification: Likely benign. Last evaluated: 2026-01-19. Review status: criteria provided, single submitter. Criteria: Invitae Variant Classification Sherloc (09022015). Collection method: clinical testing. Allele origin: germline.

Blueprint Genetics
Classification: Likely benign. Last evaluated: 2024-10-23. Review status: criteria provided, single submitter. Criteria: ACMG Guidelines, 2015. Collection method: clinical testing. Allele origin: germline.

Breakthrough Genomics
Classification: Uncertain significance. Review status: criteria provided, single submitter. Criteria: ACMG Guidelines, 2015. Collection method: not provided. Allele origin: germline. Inheritance: Autosomal dominant inheritance. Affected: yes.

PreventionGenetics, part of Exact Sciences
Classification: Likely benign for JAK1-related condition. Last evaluated: 2023-10-20. Review status: no assertion criteria provided. Collection method: clinical testing. Allele origin: germline. Not counted in ClinVar's aggregate classification.
Comment: This variant is classified as likely benign based on ACMG/AMP sequence variant interpretation guidelines (Richards et al. 2015 PMID: 25741868, with internal and published modifications).

ITMI
No classification provided. Condition: AllHighlyPenetrant. Last evaluated: 2013-09-19. Review status: no classification provided. Collection method: reference population. Allele origin: germline. Not counted in ClinVar's aggregate classification.
Comment: Please see associated publication for description of ethnicities

Literature cited by the submitters: PubMed 24728327 (cited by ITMI).

NM_002227.4(JAK1):c.2498A>G (p.Asn833Ser)

Gene: JAK1 (Janus kinase 1; minus strand). Cytogenetic location: 1p31.3.
Variant type: single nucleotide variant.
Coding change: c.2498A>G on transcript NM_002227.4 (MANE Select); coding-DNA position 2498, A replaced by G.
Protein change: p.Asn833Ser; replaces asparagine 833 with serine.
Molecular consequence: missense variant.
Genome position (GRCh38, 1-based): chr1:64,841,507, T>C on the plus strand (A>G on the coding strand, the complement: JAK1 is on the minus strand). VCF-style: chr1-64841507-T-C. GRCh37 (hg19) VCF-style: chr1-65307190-T-C.
Other names: c.2498A>G, p.Asn833Ser (NM_001320923.2, NM_001321852.2, NM_001321853.2 and 3 more transcripts); c.2495A>G, p.Asn832Ser (NM_001321857.2); c.2498A>G (NM_002227.3); short protein forms N833S, N832S.
Identifiers: ClinVar variation 134544 (VCV000134544.12), dbSNP rs187043211, ClinGen allele CA160144.